The following is an entry in ClinVar:

NM_002439.5(MSH3):c.1156A>G (p.Ile386Val)

Gene: MSH3 (mutS homolog 3; plus strand). Cytogenetic location: 5q14.1.
Variant type: single nucleotide variant.
Coding change: c.1156A>G on transcript NM_002439.5 (MANE Select); coding-DNA position 1156, A replaced by G.
Protein change: p.Ile386Val; replaces isoleucine 386 with valine.
Molecular consequence: missense variant.
Genome position (GRCh38, 1-based): chr5:80,675,111, A>G. VCF-style: chr5-80675111-A-G. GRCh37 (hg19) VCF-style: chr5-79970930-A-G.
Other names: short protein forms I386V.
Identifiers: ClinVar variation 943933 (VCV000943933.9), dbSNP rs765235885, ClinGen allele CA3327808.

ClinVar aggregate classification (germline): Uncertain significance (1 of 4 stars; one submission).

Allele frequency attached by ClinVar (database versions not stated): gnomAD exomes below 0.00001; ExAC 0.00001.

Submission:

Labcorp Genetics (formerly Invitae), Labcorp
Classification: Uncertain significance. Last evaluated: 2019-06-15. Review status: criteria provided, single submitter. Criteria: Invitae Variant Classification Sherloc (09022015). Collection method: clinical testing. Allele origin: germline.
Comment: In summary, the available evidence is currently insufficient to determine the role of this variant in disease. Therefore, it has been classified as a Variant of Uncertain Significance. Algorithms developed to predict the effect of missense changes on protein structure and function output the following: SIFT: "Tolerated"; PolyPhen-2: "Benign"; Align-GVGD: "Class C0". The valine amino acid residue is found in multiple mammalian species, suggesting that this missense change does not adversely affect protein function. These predictions have not been confirmed by published functional studies and their clinical significance is uncertain. This variant has not been reported in the literature in individuals with MSH3-related conditions. This variant is present in population databases (rs765235885, ExAC 0.001%). This sequence change replaces isoleucine with valine at codon 386 of the MSH3 protein (p.Ile386Val). The isoleucine residue is weakly conserved and there is a small physicochemical difference between isoleucine and valine.